The following is an entry in ClinVar:

ClinVar aggregate classification (germline): Likely pathogenic (1 of 4 stars; one submission).

Conditions:
Hereditary cancer-predisposing syndrome. Also called: Neoplastic Syndromes, Hereditary; Tumor predisposition; Hereditary Cancer Syndrome; Hereditary neoplastic syndrome. Identifiers: Orphanet 140162, MedGen C0027672, MeSH D009386, MONDO:0015356.

Submission:

Ambry Genetics
Classification: Likely pathogenic for Hereditary cancer-predisposing syndrome. Last evaluated: 2019-03-13. Review status: criteria provided, single submitter. Criteria: Ambry Variant Classification Scheme 2023. Collection method: clinical testing. Allele origin: germline.
Comment: The c.[815delT;902dupA] likely pathogenic allele, located in coding exon 8 of the PMS2 gene, results from a deletion of one nucleotide at nucleotide position 815, and an insertion of one nucleotide at position 902. This causes a translational frameshift of the intervening 30 amino acids, but not a predicted alternate stop codon.. This alteration is expected to result in loss of function due to mulitiple substitutions in the ATPase domain. As such, this alteration is interpreted as a likely pathogenic allele.

NM_000535.7(PMS2):c.815del (p.Phe272fs)

Gene: PMS2 (PMS1 homolog 2, mismatch repair system component; minus strand). Cytogenetic location: 7p22.1.
Variant type: Deletion.
Coding change: c.815del on transcript NM_000535.7 (MANE Select); coding-DNA position 815, one base deleted (T; older notation c.815delT).
Protein change: p.Phe272fs; shifts the reading frame from phenylalanine 272.
Molecular consequence: frameshift variant. On other transcripts: 5 prime UTR variant (2), non-coding transcript variant (1).
Genome position (GRCh38, 1-based): chr7:5,995,622, A deleted on the plus strand (T on the coding strand, the reverse complement: PMS2 is on the minus strand); the first of 3 consecutive A bases (chr7:5,995,622-5,995,624); deleting any one gives the same sequence. VCF-style (leftmost placement, unchanged base first): chr7-5995621-GA-G. GRCh37 (hg19) VCF-style: chr7-6035252-GA-G.
Other names: c.408delT, p.Phe137Serfs (NM_001018040.1, NM_001406887.1, NM_001406888.1 and 15 more transcripts); c.410del, p.Phe137fs (NM_001322003.2, NM_001322004.2, NM_001322005.2 and 2 more transcripts); c.815del, p.Phe272fs (NM_001322006.2, NM_001322014.2); c.497del, p.Phe166fs (NM_001322007.2, NM_001322008.2); c.-119del (NM_001322011.2, NM_001322012.2); c.242del, p.Phe81fs (NM_001322013.2); c.506del, p.Phe169fs (NM_001322015.2); c.999delT, p.Phe334Serfs (NM_001406866.1); and 10 more; short protein forms F272fs, F166fs, F169fs, F137fs, F81fs.
Identifiers: ClinVar variation 1762214 (VCV001762214.2), dbSNP rs2536155997, ClinGen allele CA2580076810.
Genomic context (GRCh38, chr7:5,995,621, plus strand): 5'-GATAAAGAAAAACTGTCTGTCTGTTGAACTCCTTCCAACTCCATGCGTGCATTGTGAAAT[GA>G]AACCTGAGATGCTATTCAACATTAATATGGTAAGGGCAGGATTCCAGAGTGAAAGGGATT-3'